The following is an entry in ClinVar:

ClinVar aggregate classification (germline): Likely benign. Review status: criteria provided, single submitter (1 of 4 stars). 2 submissions from 2 submitters: Likely benign (1). 1 of the submissions does not count toward it. Last evaluated 2026-01-01.

Conditions:
FLNB-related disorder. Also called: FLNB-related condition; FLNB-related disorders. Identifiers: MedGen CN381095.

Allele frequency attached by ClinVar (database versions not stated): ExAC 0.00001; gnomAD exomes 0.00001; gnomAD 0.00003.
gnomAD v4.1: 21 of 1,607,612 alleles (0.0013%); highest among the groups gnomAD compares: African/African-American, 0.004%; no homozygotes.

Submissions (2):

Labcorp Genetics (formerly Invitae), Labcorp
Classification: Likely benign. Last evaluated: 2026-01-01. Review status: criteria provided, single submitter. Criteria: Invitae Variant Classification Sherloc (09022015). Collection method: clinical testing. Allele origin: germline.

PreventionGenetics, part of Exact Sciences
Classification: Likely benign for FLNB-related condition. Last evaluated: 2022-02-18. Review status: no assertion criteria provided. Collection method: clinical testing. Allele origin: germline. Not counted in ClinVar's aggregate classification.
Comment: This variant is classified as likely benign based on ACMG/AMP sequence variant interpretation guidelines (Richards et al. 2015 PMID: 25741868, with internal and published modifications).

NM_001457.4(FLNB):c.3570C>T (p.Tyr1190=)

Gene: FLNB (filamin B; plus strand). Cytogenetic location: 3p14.3.
Variant type: single nucleotide variant.
Coding change: c.3570C>T on transcript NM_001457.4 (MANE Select); coding-DNA position 3570, C replaced by T.
Protein change: p.Tyr1190=; no amino-acid change (tyrosine 1190 retained).
Molecular consequence: synonymous variant.
Genome position (GRCh38, 1-based): chr3:58,123,536, C>T. VCF-style: chr3-58123536-C-T. GRCh37 (hg19) VCF-style: chr3-58109263-C-T.
Other names: c.3570C>T, p.Tyr1190= (NM_001164317.2, NM_001164318.2, NM_001164319.2); c.3570C>T (NM_001457.3).
Identifiers: ClinVar variation 1917610 (VCV001917610.7), dbSNP rs746183204, ClinGen allele CA2468443.